The following is an entry in ClinVar:

NM_004366.6(CLCN2):c.2585C>T (p.Thr862Ile)

Gene: CLCN2 (chloride voltage-gated channel 2; minus strand). Cytogenetic location: 3q27.1.
Variant type: single nucleotide variant.
Coding change: c.2585C>T on transcript NM_004366.6 (MANE Select); coding-DNA position 2585, C replaced by T.
Protein change: p.Thr862Ile; replaces threonine 862 with isoleucine.
Molecular consequence: missense variant.
Genome position (GRCh38, 1-based): chr3:184,346,718, G>A on the plus strand (C>T on the coding strand, the complement: CLCN2 is on the minus strand). VCF-style: chr3-184346718-G-A. GRCh37 (hg19) VCF-style: chr3-184064506-G-A.
Other names: c.2534C>T, p.Thr845Ile (NM_001171087.3); c.2453C>T, p.Thr818Ile (NM_001171088.3); c.2498C>T, p.Thr833Ile (NM_001171089.3); short protein forms T845I, T818I, T833I, T862I.
Identifiers: ClinVar variation 4698536 (VCV004698536.1).

ClinVar aggregate classification (germline): Uncertain significance (1 of 4 stars; one submission).

gnomAD v4.1: 1 of 1,614,218 alleles (0.000062%); highest among the groups gnomAD compares: South Asian, 0.0011%; no homozygotes.

Submission:

Labcorp Genetics (formerly Invitae), Labcorp
Classification: Uncertain significance. Last evaluated: 2025-11-08. Review status: criteria provided, single submitter. Criteria: Invitae Variant Classification Sherloc (09022015). Collection method: clinical testing. Allele origin: germline.
Comment: This sequence change replaces threonine, which is neutral and polar, with isoleucine, which is neutral and non-polar, at codon 862 of the CLCN2 protein (p.Thr862Ile). This variant is not present in population databases (gnomAD no frequency). This variant has not been reported in the literature in individuals affected with CLCN2-related conditions. Invitae Evidence Modeling of protein sequence and biophysical properties (such as structural, functional, and spatial information, amino acid conservation, physicochemical variation, residue mobility, and thermodynamic stability) indicates that this missense variant is not expected to disrupt CLCN2 protein function with a negative predictive value of 80%. In summary, the available evidence is currently insufficient to determine the role of this variant in disease. Therefore, it has been classified as a Variant of Uncertain Significance.